The following is an entry in ClinVar:

NM_000535.7(PMS2):c.1721del (p.Pro574fs)

Gene: PMS2 (PMS1 homolog 2, mismatch repair system component; minus strand). Cytogenetic location: 7p22.1.
Variant type: Deletion.
Coding change: c.1721del on transcript NM_000535.7 (MANE Select); coding-DNA position 1721, one base deleted (C; older notation c.1721delC).
Protein change: p.Pro574fs; shifts the reading frame from proline 574.
Molecular consequence: frameshift variant. On other transcripts: non-coding transcript variant (1).
Genome position (GRCh38, 1-based): chr7:5,987,044, G deleted on the plus strand (C on the coding strand, the reverse complement: PMS2 is on the minus strand); the first of 4 consecutive G bases (chr7:5,987,044-5,987,047); deleting any one gives the same sequence. VCF-style (leftmost placement, unchanged base first): chr7-5987043-TG-T. GRCh37 (hg19) VCF-style: chr7-6026674-TG-T.
Other names: c.1316del, p.Pro439fs (NM_001322003.2, NM_001322004.2, NM_001322005.2 and 1 more transcripts); c.1565del, p.Pro522fs (NM_001322006.2); c.1403del, p.Pro468fs (NM_001322007.2, NM_001322008.2); c.1160del, p.Pro387fs (NM_001322010.2); c.788del, p.Pro263fs (NM_001322011.2, NM_001322012.2); c.1148del, p.Pro383fs (NM_001322013.2); c.1721del, p.Pro574fs (NM_001322014.2); c.1412del, p.Pro471fs (NM_001322015.2); short protein forms P383fs, P387fs, P263fs, P574fs, P439fs, P468fs, P471fs, P522fs.
Identifiers: ClinVar variation 802291 (VCV000802291.10), dbSNP rs1583316404, ClinGen allele CA915944864.
Genomic context (GRCh38, chr7:5,987,043, plus strand): 5'-TAACTTTTGACAAATGTCAGAACTGGAAAGAATTTCTTCTTTTTTAAAACGCTTTGTGTT[TG>T]GGGTTGCGAGATTAGTTGGCTGAGGCAAAACTCGAAATTTACATCCGGTATCTTCCTGGT-3'

ClinVar aggregate classification (germline): Pathogenic/Likely pathogenic. Review status: criteria provided, multiple submitters, no conflicts (2 of 4 stars). 3 submissions from 3 submitters: Pathogenic (2); Likely pathogenic (1). Last evaluated 2024-04-29.

Conditions:
Lynch syndrome 4 (LYNCH4). Also called: Hereditary non-polyposis colorectal cancer, type 4; Colorectal cancer, hereditary nonpolyposis, type 4. Identifiers: Orphanet 144, MedGen C1838333, MONDO:0013699, OMIM 614337. Disease mechanism: loss of function.
Hereditary nonpolyposis colorectal neoplasms. Identifiers: MedGen C0009405, MeSH D003123.

Submissions (3):

Labcorp Genetics (formerly Invitae), Labcorp
Classification: Pathogenic for Hereditary nonpolyposis colorectal neoplasms. Last evaluated: 2024-04-29. Review status: criteria provided, single submitter. Criteria: Invitae Variant Classification Sherloc (09022015). Collection method: clinical testing. Allele origin: germline.
Comment: This sequence change creates a premature translational stop signal (p.Pro574Glnfs*21) in the PMS2 gene. It is expected to result in an absent or disrupted protein product. Loss-of-function variants in PMS2 are known to be pathogenic (PMID: 21376568, 24362816). This variant is not present in population databases (gnomAD no frequency). This variant has not been reported in the literature in individuals affected with PMS2-related conditions. ClinVar contains an entry for this variant (Variation ID: 802291). For these reasons, this variant has been classified as Pathogenic.

Myriad Genetics, Inc.
Classification: Pathogenic for Lynch syndrome 4. Last evaluated: 2023-09-20. Review status: criteria provided, single submitter. Criteria: Myriad Autosomal Dominant, Autosomal Recessive and X-Linked Classification Criteria (2023). Collection method: clinical testing. Allele origin: unknown.
Comment: This variant is considered pathogenic. This variant creates a frameshift predicted to result in premature protein truncation.

Mendelics
Classification: Likely pathogenic for Lynch syndrome 4. Last evaluated: 2019-05-28. Review status: criteria provided, single submitter. Criteria: Mendelics Assertion Criteria 2017. Collection method: clinical testing. Allele origin: unknown.

Literature cited by the submitters: PubMed 21376568 (cited by Labcorp Genetics (formerly Invitae), Labcorp); PubMed 24362816 (cited by Labcorp Genetics (formerly Invitae), Labcorp).